The following is an entry in ClinVar:

NM_001875.5(CPS1):c.3643A>G (p.Ile1215Val)

Gene: CPS1 (carbamoyl-phosphate synthase 1; plus strand). Cytogenetic location: 2q34.
Variant type: single nucleotide variant.
Coding change: c.3643A>G on transcript NM_001875.5 (MANE Select); coding-DNA position 3643, A replaced by G.
Protein change: p.Ile1215Val; replaces isoleucine 1215 with valine.
Molecular consequence: missense variant. On other transcripts: non-coding transcript variant (2).
Genome position (GRCh38, 1-based): chr2:210,656,609, A>G. VCF-style: chr2-210656609-A-G. GRCh37 (hg19) VCF-style: chr2-211521333-A-G.
Other names: c.3643A>G, p.Ile1215Val (NM_001122633.3, NM_001369257.1); c.3676A>G, p.Ile1226Val (NM_001369256.1); c.3643A>G (LRG_336t1); short protein forms I1215V, I1226V.
Identifiers: ClinVar variation 235659 (VCV000235659.76), dbSNP rs141373204, ClinGen allele CA2087025.

ClinVar aggregate classification (germline): Conflicting classifications of pathogenicity. Review status: criteria provided, conflicting classifications (1 of 4 stars). 15 submissions from 15 submitters: Uncertain significance (12); Likely benign (2). 1 of the submissions does not count toward it. Last evaluated 2026-01-31.

Conditions:
Pulmonary hypertension, neonatal, susceptibility to (PHN). Identifiers: MedGen C3714958, MONDO:0014151, OMIM 615371.
Congenital hyperammonemia, type I. Also called: Carbamoyl phosphate synthetase 1 deficiency; Hyperammonemia due to carbamoyl phosphate synthetase 1 deficiency; CPS 1 deficiency; Carbamyl phosphate synthetase (CPS) deficiency; Carbamoyl phosphate synthetase I deficiency disease; Carbamoyl-phosphate synthase I deficiency. Identifiers: Orphanet 147, MedGen C4082171, MONDO:0009376, OMIM 237300.

Allele frequency attached by ClinVar (database versions not stated): 1000 Genomes Project 30x 0.00016; 1000 Genomes Project 0.00020; ESP Exome Variant Server 0.00100; gnomAD exomes 0.00102 and 0.00159; gnomAD 0.00119 and 0.00123; TOPMed 0.00131; ExAC 0.00150.
gnomAD v4.1: 1,798 of 1,611,068 alleles (0.11%); highest among the groups gnomAD compares: Middle Eastern, 1.2%; 11 homozygotes.

Submissions (15):

Labcorp Genetics (formerly Invitae), Labcorp
Classification: Likely benign for Congenital hyperammonemia, type I. Last evaluated: 2026-01-31. Review status: criteria provided, single submitter. Criteria: Invitae Variant Classification Sherloc (09022015). Collection method: clinical testing. Allele origin: germline.

Mayo Clinic Laboratories, Mayo Clinic
Classification: Uncertain significance. Last evaluated: 2025-07-30. Review status: criteria provided, single submitter. Criteria: ACMG Guidelines, 2015. Collection method: clinical testing. Allele origin: germline. Observed: 1 variant allele.
Comment: BA1, PP3

Blueprint Genetics
Classification: Likely benign. Last evaluated: 2024-10-29. Review status: criteria provided, single submitter. Criteria: ACMG Guidelines, 2015. Collection method: clinical testing. Allele origin: germline.

Women's Health and Genetics/Laboratory Corporation of America, LabCorp
Classification: Uncertain significance. Last evaluated: 2022-03-03. Review status: criteria provided, single submitter. Criteria: LabCorp Variant Classification Summary - May 2015. Collection method: clinical testing. Allele origin: germline.
Comment: Variant summary: CPS1 c.3643A>G (p.Ile1215Val) results in a conservative amino acid change located in the Carbamoyl-phosphate synthetase large subunit-like, ATP-binding domain (IPR005479) of the encoded protein sequence. Three of five in-silico tools predict a damaging effect of the variant on protein function. The variant allele was found at a frequency of 0.0016 in 251480 control chromosomes in the gnomAD database, including 1 homozygote. This frequency is not significantly higher than estimated for a pathogenic variant in CPS1 causing Carbamoylphosphate Synthetase I Deficiency (0.0016 vs 0.0016), allowing no conclusion about variant significance. The variant allele was found at a frequency of 0.0016 in 251480 control chromosomes, predominantly at a frequency of 0.0018 within the Latino subpopulation in the gnomAD database. The observed variant frequency within Latino control individuals in the gnomAD database is approximately 1.14 fold of the estimated maximal expected allele frequency for a pathogenic variant in CPS1 causing Carbamoylphosphate Synthetase I Deficiency phenotype (0.0016), strongly suggesting that the variant is a benign polymorphism found primarily in populations of Latino origin. c.3643A>G has been reported in the literature in at-least one individual affected with Carbamoylphosphate Synthetase I Deficiency (example, Kurokawa_2007). These report(s) do not provide unequivocal conclusions about association of the variant with Carbamoylphosphate Synthetase I Deficiency. To our knowledge, no experimental evidence demonstrating an impact on protein function has been reported. Multiple clinical diagnostic laboratories have submitted clinical-significance assessments for this variant to ClinVar after 2014 without evidence for independent evaluation. Multiple laboratories reported the variant with conflicting assessments. Based on the evidence outlined above, the variant was classified as VUS-possibly benign.

Genome-Nilou Lab
Classification: Uncertain significance for Congenital hyperammonemia, type I. Last evaluated: 2021-05-18. Review status: criteria provided, single submitter. Criteria: ACMG Guidelines, 2015. Collection method: clinical testing. Allele origin: germline. Affected: no.

New York Genome Center
Classification: Uncertain significance for Congenital hyperammonemia, type I. Last evaluated: 2021-03-12. Review status: criteria provided, single submitter. Criteria: NYGC Assertion Criteria 2020. Collection method: clinical testing. Allele origin: inherited. Observed: 1 heterozygote. Study: CSER-NYCKidSeq.

Dubai Health Genomic Medicine Center, Dubai Health
Classification: Uncertain significance for Congenital hyperammonemia, type I. Last evaluated: 2020-05-14. Review status: criteria provided, single submitter. Criteria: ACMG Guidelines, 2015. Collection method: clinical testing. Allele origin: germline. Affected: yes.

Mendelics
Classification: Uncertain significance for Congenital hyperammonemia, type I. Last evaluated: 2019-05-28. Review status: criteria provided, single submitter. Criteria: Mendelics Assertion Criteria 2017. Collection method: clinical testing. Allele origin: unknown.

Fulgent Genetics
Classification: Uncertain significance for Congenital hyperammonemia, type I; Pulmonary hypertension, neonatal, susceptibility to. Last evaluated: 2018-10-31. Review status: criteria provided, single submitter. Criteria: ACMG Guidelines, 2015. Collection method: clinical testing. Allele origin: unknown.

GeneDx
Classification: Uncertain significance. Last evaluated: 2018-03-23. Review status: criteria provided, single submitter. Criteria: GeneDx Variant Classification (06012015). Collection method: clinical testing. Allele origin: germline. Affected: yes.
Comment: The I1215V variant has been reported previously in a patient with carbamoylphosphate synthetase I (CPS1) deficiency who also harbored a second variant in the CPS1 gene (Kurokawa et al. 2007). The I1215V variant is observed in 31/11564 (0.27%) alleles from individuals of Latino background, in the ExAC dataset including a homozygous individual (Lek et al., 2016). The I1215V variant is a conservative amino acid substitution, which is not likely to impact secondary protein structure as these residues share similar properties. This substitution occurs at a position where amino acids with similar properties to Isoleucine and Valine are tolerated across species. In silico analysis is inconsistent in its predictions as to whether or not the variant is damaging to the protein structure/function. In summary, based on the currently available information, it is unclear whether this variant is a pathogenic variant or a rare benign variant.

Eurofins Ntd Llc (ga)
Classification: Uncertain significance. Last evaluated: 2017-08-01. Review status: criteria provided, single submitter. Criteria: EGL Classification Definitions 2015. Collection method: clinical testing. Allele origin: germline. Observed: 1 variant allele, 1 heterozygote.

Illumina Laboratory Services, Illumina
Classification: Uncertain significance for Congenital hyperammonemia, type I. Last evaluated: 2017-04-27. Review status: criteria provided, single submitter. Criteria: ICSL Variant Classification Criteria 13 December 2019. Collection method: clinical testing. Allele origin: germline.
Comment: This variant was observed as part of a predisposition screen in an ostensibly healthy population. A literature search was performed for the gene, cDNA change, and amino acid change (where applicable). Publications were found based on this search. However, the evidence from the literature, in combination with allele frequency data from public databases where available, was not sufficient to rule this variant in or out of causing disease. Therefore, this variant is classified as a variant of unknown significance.

CeGaT Center for Human Genetics Tuebingen
Classification: Uncertain significance. Last evaluated: 2017-01-01. Review status: criteria provided, single submitter. Criteria: CeGaT Center For Human Genetics Tuebingen Variant Classification Criteria Version 2. Collection method: clinical testing. Allele origin: germline. Affected: yes. Observed: 1 variant allele.

Center for Pediatric Genomic Medicine, Children's Mercy Hospital and Clinics
Classification: Uncertain significance. Last evaluated: 2016-01-21. Review status: criteria provided, single submitter. Criteria: ACMG Guidelines, 2015. Collection method: clinical testing. Allele origin: germline.
ClinVar note: Converted during submission from Uncertain Significance to Uncertain significance.

Natera, Inc.
Classification: Likely benign for Carbamoyl-phosphate synthase I deficiency. Last evaluated: 2020-06-16. Review status: no assertion criteria provided. Collection method: clinical testing. Allele origin: germline. Not counted in ClinVar's aggregate classification.

Literature cited by the submitters: PubMed 17310273 (cited by 3 submitters); PubMed 27884173 (cited by Mayo Clinic Laboratories, Mayo Clinic); PubMed 33309754 (cited by Mayo Clinic Laboratories, Mayo Clinic); PubMed 34426522 (cited by Mayo Clinic Laboratories, Mayo Clinic); PubMed 21120950 (cited by Illumina Laboratory Services, Illumina).